The following is an entry in ClinVar:

ClinVar aggregate classification (germline): Benign/Likely benign. Review status: criteria provided, multiple submitters, no conflicts (2 of 4 stars). 4 submissions from 4 submitters: Benign (1); Likely benign (3). Last evaluated 2025-12-29.

Conditions:
Hereditary cancer-predisposing syndrome. Also called: Neoplastic Syndromes, Hereditary; Tumor predisposition; Hereditary Cancer Syndrome; Hereditary neoplastic syndrome. Identifiers: Orphanet 140162, MedGen C0027672, MeSH D009386, MONDO:0015356.
Hereditary diffuse gastric adenocarcinoma (HDGC). Also called: DIFFUSE GASTRIC AND LOBULAR BREAST CANCER SYNDROME. Identifiers: Orphanet 26106, MedGen C1708349, MONDO:0007648, OMIM 137215.
CTNNA1-related disorder. Also called: CTNNA1-related condition.

Allele frequency attached by ClinVar (database versions not stated): gnomAD 0.00001; gnomAD exomes 0.00001; TOPMed 0.00001.
gnomAD v4.1: 6 of 1,614,052 alleles (0.00037%); highest among the groups gnomAD compares: African/African-American, 0.004%; no homozygotes.

Submissions (4):

Labcorp Genetics (formerly Invitae), Labcorp
Classification: Likely benign. Last evaluated: 2025-12-29. Review status: criteria provided, single submitter. Criteria: Invitae Variant Classification Sherloc (09022015). Collection method: clinical testing. Allele origin: germline.

PreventionGenetics, part of Exact Sciences
Classification: Likely benign for CTNNA1-related condition. Last evaluated: 2025-12-23. Review status: criteria provided, single submitter. Criteria: ACMG Guidelines, 2015. Collection method: clinical testing. Allele origin: germline.
Comment: This variant is classified as likely benign based on ACMG/AMP sequence variant interpretation guidelines (Richards et al. 2015 PMID: 25741868, with internal and published modifications).

Myriad Genetics, Inc.
Classification: Benign for Hereditary diffuse gastric adenocarcinoma. Last evaluated: 2024-10-10. Review status: criteria provided, single submitter. Criteria: Myriad Autosomal Dominant, Autosomal Recessive and X-Linked Classification Criteria (2023). Collection method: clinical testing. Allele origin: unknown.
Comment: This variant is considered benign. This variant is a silent/synonymous amino acid change and it is not expected to impact splicing.

Ambry Genetics
Classification: Likely benign for Hereditary cancer-predisposing syndrome. Last evaluated: 2019-02-07. Review status: criteria provided, single submitter. Criteria: Ambry Variant Classification Scheme 2023. Collection method: clinical testing. Allele origin: germline.

NM_001903.5(CTNNA1):c.960C>T (p.Ala320=)

Gene: CTNNA1 (catenin alpha 1; plus strand). Cytogenetic location: 5q31.2.
Variant type: single nucleotide variant.
Coding change: c.960C>T on transcript NM_001903.5 (MANE Select); coding-DNA position 960, C replaced by T.
Protein change: p.Ala320=; no amino-acid change (alanine 320 retained).
Molecular consequence: synonymous variant.
Genome position (GRCh38, 1-based): chr5:138,827,616, C>T. VCF-style: chr5-138827616-C-T. GRCh37 (hg19) VCF-style: chr5-138163305-C-T.
Other names: c.960C>T, p.Ala320= (NM_001290307.3, NM_001323982.2, NM_001323983.1 and 3 more transcripts); c.651C>T, p.Ala217= (NM_001290309.3); c.591C>T, p.Ala197= (NM_001290310.3); c.960C>T (NM_001903.4).
Identifiers: ClinVar variation 707585 (VCV000707585.17), dbSNP rs1055202373, ClinGen allele CA128231226.